The following is an entry in ClinVar:

ClinVar aggregate classification (germline): Uncertain significance (1 of 4 stars; one submission).

Conditions:
Glycogen storage disease due to muscle and heart glycogen synthase deficiency. Also called: GSD 0b; MUSCLE GLYCOGEN SYNTHASE DEFICIENCY. Identifiers: Orphanet 137625, MedGen C1969054, MONDO:0012693, OMIM 611556.

Allele frequency attached by ClinVar (database versions not stated): gnomAD exomes 0.00001.
gnomAD v4.1: 21 of 1,614,062 alleles (0.0013%); highest among the groups gnomAD compares: Non-Finnish European, 0.0017%; no homozygotes.

Submission:

Labcorp Genetics (formerly Invitae), Labcorp
Classification: Uncertain significance for Glycogen storage disease due to muscle and heart glycogen synthase deficiency. Last evaluated: 2020-10-26. Review status: criteria provided, single submitter. Criteria: Invitae Variant Classification Sherloc (09022015). Collection method: clinical testing. Allele origin: germline.
Comment: This sequence change replaces proline with serine at codon 455 of the GYS1 protein (p.Pro455Ser). The proline residue is highly conserved and there is a moderate physicochemical difference between proline and serine. This variant is not present in population databases (ExAC no frequency). This variant has not been reported in the literature in individuals with GYS1-related conditions. Algorithms developed to predict the effect of missense changes on protein structure and function are either unavailable or do not agree on the potential impact of this missense change (SIFT: "Tolerated"; PolyPhen-2: "Possibly Damaging"; Align-GVGD: "Class C0"). In summary, the available evidence is currently insufficient to determine the role of this variant in disease. Therefore, it has been classified as a Variant of Uncertain Significance.

NM_002103.5(GYS1):c.1363C>T (p.Pro455Ser)

Gene: GYS1 (glycogen synthase 1; minus strand). Cytogenetic location: 19q13.33.
Variant type: single nucleotide variant.
Coding change: c.1363C>T on transcript NM_002103.5 (MANE Select); coding-DNA position 1363, C replaced by T.
Protein change: p.Pro455Ser; replaces proline 455 with serine.
Molecular consequence: missense variant. On other transcripts: non-coding transcript variant (1).
Genome position (GRCh38, 1-based): chr19:48,974,679, G>A on the plus strand (C>T on the coding strand, the complement: GYS1 is on the minus strand). VCF-style: chr19-48974679-G-A. GRCh37 (hg19) VCF-style: chr19-49477936-G-A.
Other names: c.1171C>T, p.Pro391Ser (NM_001161587.2); short protein forms P391S, P455S.
Identifiers: ClinVar variation 1004987 (VCV001004987.8), dbSNP rs2038617042, ClinGen allele CA406761671.